The following is an entry in ClinVar:

ClinVar aggregate classification (germline): Uncertain significance (1 of 4 stars; one submission).

Allele frequency attached by ClinVar (database versions not stated): ExAC 0.00001; gnomAD exomes 0.00010 and 0.00002; gnomAD 0.00009 and 0.00008; TOPMed 0.00006.

Submission:

GeneDx
Classification: Uncertain significance. Last evaluated: 2026-10-14. Review status: criteria provided, single submitter. Criteria: GeneDx Variant Classification Process June 2021. Collection method: clinical testing. Allele origin: germline.
Comment: Identified in a patient with severe specific language impairment, however additional clinical information was not provided (PMID: 28440294); In silico analysis supports that this missense variant has a deleterious effect on protein structure/function; This variant is associated with the following publications: (PMID: 28440294)

NM_001369268.1(ACAN):c.6019G>A (p.Asp2007Asn)

Gene: ACAN (aggrecan; plus strand). Cytogenetic location: 15q26.1.
Variant type: single nucleotide variant.
Coding change: c.6019G>A on transcript NM_001369268.1 (MANE Select); coding-DNA position 6019, G replaced by A.
Protein change: p.Asp2007Asn; replaces aspartic acid 2007 with asparagine.
Molecular consequence: missense variant.
Genome position (GRCh38, 1-based): chr15:88,858,604, G>A. VCF-style: chr15-88858604-G-A. GRCh37 (hg19) VCF-style: chr15-89401835-G-A.
Other names: c.6019G>A, p.Asp2007Asn (NM_001135.4, NM_013227.4); short protein forms D2007N.
Identifiers: ClinVar variation 384544 (VCV000384544.3), dbSNP rs753033186, ClinGen allele CA7720325.